The following is an entry in ClinVar:

NM_000202.8(IDS):c.892C>T (p.Gln298Ter)

Genes: IDS (iduronate 2-sulfatase; minus strand), LOC106050102 (IDS recombination region; plus strand). Cytogenetic location: Xq28.
Variant type: single nucleotide variant.
Coding change: c.892C>T on transcript NM_000202.8 (MANE Select); coding-DNA position 892, C replaced by T.
Protein change: p.Gln298Ter; replaces glutamine 298 with a stop codon.
Molecular consequence: nonsense. On other transcripts: non-coding transcript variant (1).
Genome position (GRCh38, 1-based): chrX:149,490,428, G>A on the plus strand (C>T on the coding strand, the complement: IDS is on the minus strand). VCF-style: chrX-149490428-G-A. GRCh37 (hg19) VCF-style: chrX-148571959-G-A.
Other names: c.622C>T, p.Gln208Ter (NM_001166550.4); c.892C>T, p.Gln298Ter (NM_006123.5); short protein forms Q208*, Q298*.
Identifiers: ClinVar variation 3255874 (VCV003255874.2).

ClinVar aggregate classification (germline): Pathogenic (1 of 4 stars; one submission).

Conditions:
Mucopolysaccharidosis, MPS-II (MPS2). Also called: Hunter Syndrome; IDURONATE 2-SULFATASE DEFICIENCY; Mucopolysaccharidosis Type II; Mucopolysaccharidosis type 2; Attenuated MPS (subtype; formerly known as mild MPS II); Severe MPS II. Identifiers: Orphanet 580, Orphanet 79388, MedGen C0026705, MONDO:0010674, OMIM 309900.

Submission:

Laboratory of Diagnosis and Therapy of Lysosomal Disorders, University of Padova
Classification: Pathogenic for Mucopolysaccharidosis, MPS-II. Last evaluated: 2024-06-07. Review status: criteria provided, single submitter. Criteria: ACMG Guidelines, 2015. Collection method: literature only. Allele origin: germline. Affected: yes. Observed: 2 variant alleles.
Comment: Null variant (PVS1_VeryStrong), Absent from controls (or at low frequency) in gnomAD database (PM2_Moderate), Patient’s phenotype or family history highly specific for the disease (PP4_Strong)

Classification method: ACMG Guidelines [PMID:25741868] with modifications

Literature cited by the submitters: PubMed 19573456; PubMed 8940265.